The following is an entry in ClinVar:

ClinVar aggregate classification (germline): Uncertain significance (1 of 4 stars; one submission).

gnomAD v4.1: 9 of 1,608,736 alleles (0.00056%); highest among the groups gnomAD compares: South Asian, 0.0033%; no homozygotes.

Submission:

Labcorp Genetics (formerly Invitae), Labcorp
Classification: Uncertain significance. Last evaluated: 2023-07-21. Review status: criteria provided, single submitter. Criteria: Invitae Variant Classification Sherloc (09022015). Collection method: clinical testing. Allele origin: germline.
Comment: In summary, the available evidence is currently insufficient to determine the role of this variant in disease. Therefore, it has been classified as a Variant of Uncertain Significance. Variants that disrupt the consensus splice site are a relatively common cause of aberrant splicing (PMID: 17576681, 9536098). Algorithms developed to predict the effect of sequence changes on RNA splicing suggest that this variant may disrupt the consensus splice site. ClinVar contains an entry for this variant (Variation ID: 1494512). This variant has not been reported in the literature in individuals affected with IMPG1-related conditions. This variant is present in population databases (rs769132903, gnomAD 0.003%). This sequence change falls in intron 14 of the IMPG1 gene. It does not directly change the encoded amino acid sequence of the IMPG1 protein. It affects a nucleotide within the consensus splice site.

Literature cited by the submitters: PubMed 17576681; PubMed 9536098.

NM_001563.4(IMPG1):c.2045-3C>G

Gene: IMPG1 (interphotoreceptor matrix proteoglycan 1; minus strand). Cytogenetic location: 6q14.1.
Variant type: single nucleotide variant.
Coding change: c.2045-3C>G on transcript NM_001563.4 (MANE Select); 3 bases into the intron before coding-DNA position 2045, C replaced by G.
Molecular consequence: intron variant.
Genome position (GRCh38, 1-based): chr6:75,931,154, G>C on the plus strand (C>G on the coding strand, the complement: IMPG1 is on the minus strand). VCF-style: chr6-75931154-G-C. GRCh37 (hg19) VCF-style: chr6-76640871-G-C.
Other names: c.1811-3C>G (NM_001282368.2).
Identifiers: ClinVar variation 1494512 (VCV001494512.6), dbSNP rs769132903, ClinGen allele CA3897940.